The following is an entry in ClinVar:

ClinVar aggregate classification (germline): Likely benign (1 of 4 stars; one submission).

Conditions:
HADHA-related disorder. Also called: HADHA-related condition; HADHA-related disorders.

gnomAD v4.1: 41 of 1,575,152 alleles (0.0026%); highest among the groups gnomAD compares: Admixed American, 0.0037%; no homozygotes.

Submission:

PreventionGenetics, part of Exact Sciences
Classification: Likely benign for HADHA-related condition. Last evaluated: 2025-10-19. Review status: criteria provided, single submitter. Criteria: ACMG Guidelines, 2015. Collection method: clinical testing. Allele origin: germline.
Comment: This variant is classified as likely benign based on ACMG/AMP sequence variant interpretation guidelines (Richards et al. 2015 PMID: 25741868, with internal and published modifications).

NM_000182.5(HADHA):c.-8A>G

Genes: HADHA (hydroxyacyl-CoA dehydrogenase trifunctional multienzyme complex subunit alpha; minus strand), HADHB (hydroxyacyl-CoA dehydrogenase trifunctional multienzyme complex subunit beta; plus strand). Cytogenetic location: 2p23.3.
Variant type: single nucleotide variant.
Coding change: c.-8A>G on transcript NM_000182.5 (MANE Select); 8 bases upstream of the start codon, A replaced by G.
Molecular consequence: 5 prime UTR variant.
Genome position (GRCh38, 1-based): chr2:26,244,604, T>C on the plus strand (A>G on the coding strand, the complement: HADHA is on the minus strand). VCF-style: chr2-26244604-T-C. GRCh37 (hg19) VCF-style: chr2-26467472-T-C.
Identifiers: ClinVar variation 4981187 (VCV004981187.1).